The following is an entry in ClinVar:

ClinVar aggregate classification (germline): Uncertain significance (1 of 4 stars; one submission).

Conditions:
Epidermolysis bullosa simplex 5C, with pyloric atresia (EBS5C). Also called: PLEC1-Related Epidermolysis Bullosa with Pyloric Atresia; Epidermolysis bullosa simplex with pyloric atresia; PLEC-Related Epidermolysis Bullosa with Pyloric Atresia. Identifiers: Orphanet 158684, MedGen C2677349, MONDO:0012807, OMIM 612138.
Epidermolysis bullosa simplex with nail dystrophy (EBS5D). Identifiers: MedGen C4225309, MONDO:0014661, OMIM 616487.
Epidermolysis bullosa simplex 5B, with muscular dystrophy (EBS5B). Also called: EPIDERMOLYSIS BULLOSA SIMPLEX AND LIMB-GIRDLE MUSCULAR DYSTROPHY; Epidermolysis bullosa simplex with muscular dystrophy. Identifiers: Orphanet 257, MedGen C2931072, MONDO:0009181, OMIM 226670.
Epidermolysis bullosa simplex, Ogna type (EBS5A). Also called: Pidermolysis bullosa simplex 5A, Ogna type; EPIDERMOLYSIS BULLOSA SIMPLEX 5A, OGNA TYPE. Identifiers: Orphanet 79401, MedGen C0432317, MONDO:0007555, OMIM 131950.
Autosomal recessive limb-girdle muscular dystrophy type 2Q (LGMDR17). Also called: MUSCULAR DYSTROPHY, LIMB-GIRDLE, AUTOSOMAL RECESSIVE 17. Identifiers: Orphanet 254361, MedGen C3150989, MONDO:0013390, OMIM 613723.

Allele frequency attached by ClinVar (database versions not stated): gnomAD 0.00001 and 0.00002; gnomAD exomes 0.00002; ExAC 0.00003; TOPMed 0.00004.
gnomAD v4.1: 32 of 1,572,176 alleles (0.002%); highest among the groups gnomAD compares: Non-Finnish European, 0.0026%; no homozygotes.

Submission:

Labcorp Genetics (formerly Invitae), Labcorp
Classification: Uncertain significance for Autosomal recessive limb-girdle muscular dystrophy type 2Q; Epidermolysis bullosa simplex, Ogna type; Epidermolysis bullosa simplex with nail dystrophy; Epidermolysis bullosa simplex 5C, with pyloric atresia; Epidermolysis bullosa simplex 5B, with muscular dystrophy. Last evaluated: 2024-05-20. Review status: criteria provided, single submitter. Criteria: Invitae Variant Classification Sherloc (09022015). Collection method: clinical testing. Allele origin: germline.
Comment: This sequence change replaces glutamic acid, which is acidic and polar, with glycine, which is neutral and non-polar, at codon 2077 of the PLEC protein (p.Glu2077Gly). The frequency data for this variant in the population databases is considered unreliable, as metrics indicate poor data quality at this position in the gnomAD database. This variant has not been reported in the literature in individuals affected with PLEC-related conditions. ClinVar contains an entry for this variant (Variation ID: 837935). An algorithm developed to predict the effect of missense changes on protein structure and function (PolyPhen-2) suggests that this variant is likely to be tolerated. In summary, the available evidence is currently insufficient to determine the role of this variant in disease. Therefore, it has been classified as a Variant of Uncertain Significance.

NM_201384.3(PLEC):c.6149A>G (p.Glu2050Gly)

Gene: PLEC (plectin; minus strand). Cytogenetic location: 8q24.3.
Variant type: single nucleotide variant.
Coding change: c.6149A>G on transcript NM_201384.3 (MANE Select); coding-DNA position 6149, A replaced by G.
Protein change: p.Glu2050Gly; replaces glutamic acid 2050 with glycine.
Molecular consequence: missense variant.
Genome position (GRCh38, 1-based): chr8:143,923,780, T>C on the plus strand (A>G on the coding strand, the complement: PLEC is on the minus strand). VCF-style: chr8-143923780-T-C. GRCh37 (hg19) VCF-style: chr8-144997948-T-C.
Other names: c.6230A>G, p.Glu2077Gly (NM_000445.5); c.6107A>G, p.Glu2036Gly (NM_201378.4); c.6083A>G, p.Glu2028Gly (NM_201379.3); c.6560A>G, p.Glu2187Gly (NM_201380.4); c.6053A>G, p.Glu2018Gly (NM_201381.3); c.6149A>G, p.Glu2050Gly (NM_201382.4); c.6161A>G, p.Glu2054Gly (NM_201383.3); short protein forms E2054G, E2187G, E2028G, E2050G, E2077G, E2018G, E2036G.
Identifiers: ClinVar variation 837935 (VCV000837935.7), dbSNP rs782612083, ClinGen allele CA4926092.